The following is an entry in ClinVar:

NM_001001557.4(GDF6):c.923G>T (p.Gly308Val)

Gene: GDF6 (growth differentiation factor 6; minus strand). Cytogenetic location: 8q22.1.
Variant type: single nucleotide variant.
Coding change: c.923G>T on transcript NM_001001557.4 (MANE Select); coding-DNA position 923, G replaced by T.
Protein change: p.Gly308Val; replaces glycine 308 with valine.
Molecular consequence: missense variant.
Genome position (GRCh38, 1-based): chr8:96,145,008, C>A on the plus strand (G>T on the coding strand, the complement: GDF6 is on the minus strand). VCF-style: chr8-96145008-C-A. GRCh37 (hg19) VCF-style: chr8-97157236-C-A.
Other names: short protein forms G308V.
Identifiers: ClinVar variation 3754990 (VCV003754990.2).

ClinVar aggregate classification (germline): Uncertain significance (1 of 4 stars; one submission).

Conditions:
Leber congenital amaurosis 17 (LCA17). Identifiers: Orphanet 65, MedGen C3715164, MONDO:0014145, OMIM 615360.
Klippel-Feil syndrome 1, autosomal dominant (KFS1). Also called: CERVICAL VERTEBRAL FUSION, AUTOSOMAL DOMINANT. Identifiers: Orphanet 2345, MedGen C1861689, MONDO:0007306, OMIM 118100.
Isolated microphthalmia 4. Identifiers: Orphanet 2542, MedGen C2751307, MONDO:0013130, OMIM 613094.
Microphthalmia, isolated, with coloboma 6 (MCOPCB6). Also called: MICROPHTHALMIA/COLOBOMA 6; Microphthalmia with coloboma 6, digenic; Microphthalmia with coloboma 6. Identifiers: Orphanet 98938, MedGen C3150968, MONDO:0013376, OMIM 613703.

Submission:

Labcorp Genetics (formerly Invitae), Labcorp
Classification: Uncertain significance for Isolated microphthalmia 4; Leber congenital amaurosis 17; Klippel-Feil syndrome 1, autosomal dominant; Microphthalmia, isolated, with coloboma 6. Last evaluated: 2024-02-28. Review status: criteria provided, single submitter. Criteria: Invitae Variant Classification Sherloc (09022015). Collection method: clinical testing. Allele origin: germline.
Comment: This sequence change replaces glycine, which is neutral and non-polar, with valine, which is neutral and non-polar, at codon 308 of the GDF6 protein (p.Gly308Val). This variant is not present in population databases (gnomAD no frequency). This variant has not been reported in the literature in individuals affected with GDF6-related conditions. An algorithm developed to predict the effect of missense changes on protein structure and function (PolyPhen-2) suggests that this variant is likely to be tolerated. In summary, the available evidence is currently insufficient to determine the role of this variant in disease. Therefore, it has been classified as a Variant of Uncertain Significance.